The following is an entry in ClinVar:

NM_017837.4(PIGV):c.133C>T (p.Arg45Cys)

Gene: PIGV (phosphatidylinositol glycan anchor biosynthesis class V; plus strand). Cytogenetic location: 1p36.11.
Variant type: single nucleotide variant.
Coding change: c.133C>T on transcript NM_017837.4 (MANE Select); coding-DNA position 133, C replaced by T.
Protein change: p.Arg45Cys; replaces arginine 45 with cysteine.
Molecular consequence: missense variant. On other transcripts: 5 prime UTR variant (1), non-coding transcript variant (2), intron variant (1).
Genome position (GRCh38, 1-based): chr1:26,794,167, C>T. VCF-style: chr1-26794167-C-T. GRCh37 (hg19) VCF-style: chr1-27120658-C-T.
Other names: c.133C>T, p.Arg45Cys (NM_001202554.2, NM_001374478.1, NM_001374480.1 and 4 more transcripts); c.-249C>T (NM_001374483.1); c.78+3274C>T (NM_001374486.1); short protein forms R45C.
Identifiers: ClinVar variation 420315 (VCV000420315.2), dbSNP rs752514953, ClinGen allele CA708001.

ClinVar aggregate classification (germline): Uncertain significance (1 of 4 stars; one submission).

Allele frequency attached by ClinVar (database versions not stated): gnomAD exomes 0.00001 and 0.00003; ExAC 0.00002; gnomAD 0.00002; TOPMed 0.00003.
gnomAD v4.1: 20 of 1,614,138 alleles (0.0012%); highest among the groups gnomAD compares: Admixed American, 0.012%; no homozygotes.

Submission:

GeneDx
Classification: Uncertain significance. Last evaluated: 2017-02-28. Review status: criteria provided, single submitter. Criteria: GeneDx Variant Classification (06012015). Collection method: clinical testing. Allele origin: germline. Affected: yes.
Comment: A variant of uncertain significance has been identified in the PIGV gene. The R45C variant has not been published as a pathogenic variant, nor has it been reported as a benign variant to our knowledge. The R45C variant is not observed at a significant frequency in large population cohorts (Lek et al., 2016; 1000 Genomes Consortium et al., 2015; Exome Variant Server). The R45C variant is a non-conservative amino acid substitution, which is likely to impact secondary protein structure as these residues differ in polarity, charge, size and/or other properties. This substitution occurs at a position where amino acids with similar properties to Arginine are tolerated across species; however, Cysteine is observed at this position in evolution. In silico analysis predicts this variant is probably damaging to the protein structure/function. Therefore, based on the currently available information, it is unclear whether this variant is a pathogenic variant or a rare benign variant.